The following is an entry in ClinVar:

NM_000540.3(RYR1):c.10985_11034+80delinsCCTCAA

Gene: RYR1 (ryanodine receptor 1; plus strand). Cytogenetic location: 19q13.2.
Variant type: Indel.
Coding change: c.10985_11034+80delinsCCTCAA on transcript NM_000540.3 (MANE Select); coding-DNA position 10985 through 80 bases into the intron after coding-DNA position 11034, the reference bases replaced by CCTCAA.
Molecular consequence: splice donor variant.
Genome position (GRCh38, 1-based): chr19:38,528,646-38,528,775, 130 bases replaced. GRCh37 (hg19): chr19:39,019,286-39,019,415.
Other names: c.10970_11019+80delinsCCTCAA (NM_001042723.2).
Identifiers: ClinVar variation 1067631 (VCV001067631.7), dbSNP rs2145723826, ClinGen allele CA2499225474.

ClinVar aggregate classification (germline): Likely pathogenic (1 of 4 stars; one submission).

Conditions:
RYR1-related disorder. Also called: RYR1-related condition; RYR1-related disorders. Identifiers: MedGen CN239331.

Submission:

Labcorp Genetics (formerly Invitae), Labcorp
Classification: Likely pathogenic for RYR1-related disorder. Last evaluated: 2022-02-03. Review status: criteria provided, single submitter. Criteria: Invitae Variant Classification Sherloc (09022015). Collection method: clinical testing. Allele origin: germline.
Comment: In summary, the currently available evidence indicates that the variant is pathogenic, but additional data are needed to prove that conclusively. Therefore, this variant has been classified as Likely Pathogenic. This variant results in the deletion of part of exon 75 (c.10985_11034+80delinsCCTCAA) of the RYR1 gene. It is expected to disrupt RNA splicing. Variants that disrupt the donor or acceptor splice site typically lead to a loss of protein function (PMID: 16199547), and loss-of-function variants in RYR1 are known to be pathogenic (PMID: 20583297, 20839240, 23919265, 28818389). This variant is not present in population databases (gnomAD no frequency). This variant has not been reported in the literature in individuals affected with RYR1-related conditions. ClinVar contains an entry for this variant (Variation ID: 1067631).

Literature cited by the submitters: PubMed 16199547; PubMed 20583297; PubMed 20839240; PubMed 23919265; PubMed 28818389.